The following is an entry in ClinVar:

ClinVar aggregate classification (germline): Uncertain significance (1 of 4 stars; one submission).

Allele frequency attached by ClinVar (database versions not stated): gnomAD exomes 0.00001.
gnomAD v4.1: 6 of 1,607,060 alleles (0.00037%); highest among the groups gnomAD compares: Admixed American, 0.01%; no homozygotes.

Submission:

Labcorp Genetics (formerly Invitae), Labcorp
Classification: Uncertain significance. Last evaluated: 2025-08-21. Review status: criteria provided, single submitter. Criteria: Invitae Variant Classification Sherloc (09022015). Collection method: clinical testing. Allele origin: germline.
Comment: This sequence change replaces glycine, which is neutral and non-polar, with alanine, which is neutral and non-polar, at codon 525 of the DHX32 protein (p.Gly525Ala). This variant is present in population databases (rs772727338, gnomAD 0.02%). This variant has not been reported in the literature in individuals affected with DHX32-related conditions. ClinVar contains an entry for this variant (Variation ID: 1952734). An algorithm developed to predict the effect of missense changes on protein structure and function (PolyPhen-2) suggests that this variant is likely to be tolerated. In summary, the available evidence is currently insufficient to determine the role of this variant in disease. Therefore, it has been classified as a Variant of Uncertain Significance.

NM_018180.3(DHX32):c.1574G>C (p.Gly525Ala)

Genes: BCCIP (BRCA2 and CDKN1A interacting protein; plus strand), DHX32 (DEAH-box helicase 32 (putative); minus strand). Cytogenetic location: 10q26.2.
Variant type: single nucleotide variant.
Coding change: c.1574G>C on transcript NM_018180.3 (MANE Select); coding-DNA position 1574, G replaced by C.
Protein change: p.Gly525Ala; replaces glycine 525 with alanine.
Molecular consequence: missense variant. On other transcripts: intron variant (2).
Genome position (GRCh38, 1-based): chr10:125,840,966, C>G on the plus strand (G>C on the coding strand, the complement: DHX32 is on the minus strand). VCF-style: chr10-125840966-C-G. GRCh37 (hg19) VCF-style: chr10-127529535-C-G.
Other names: c.775-289C>G (NM_016567.4, NM_078469.3); short protein forms G525A.
Identifiers: ClinVar variation 1952734 (VCV001952734.5), dbSNP rs772727338, ClinGen allele CA5739108.